The following is an entry in ClinVar:

ClinVar aggregate classification (germline): Uncertain significance (1 of 4 stars; one submission).

Conditions:
Inborn genetic diseases. Identifiers: MedGen C0950123, MeSH D030342.

Submission:

Ambry Genetics
Classification: Uncertain significance for Inborn genetic diseases. Last evaluated: 2021-09-30. Review status: criteria provided, single submitter. Criteria: Ambry Variant Classification Scheme 2023. Collection method: clinical testing. Allele origin: germline.
Comment: The p.P757T variant (also known as c.2269C>A), located in coding exon 14 of the PIK3CA gene, results from a C to A substitution at nucleotide position 2269. The proline at codon 757 is replaced by threonine, an amino acid with highly similar properties. This amino acid position is conserved. In addition, this alteration is predicted to be deleterious by in silico analysis. Since supporting evidence is limited at this time, the clinical significance of this alteration remains unclear.

NM_006218.4(PIK3CA):c.2269C>A (p.Pro757Thr)

Gene: PIK3CA (phosphatidylinositol-4,5-bisphosphate 3-kinase catalytic subunit alpha; plus strand). Cytogenetic location: 3q26.32.
Variant type: single nucleotide variant.
Coding change: c.2269C>A on transcript NM_006218.4 (MANE Select); coding-DNA position 2269, C replaced by A.
Protein change: p.Pro757Thr; replaces proline 757 with threonine.
Molecular consequence: missense variant.
Genome position (GRCh38, 1-based): chr3:179,224,162, C>A. VCF-style: chr3-179224162-C-A. GRCh37 (hg19) VCF-style: chr3-178941950-C-A.
Other names: short protein forms P757T.
Identifiers: ClinVar variation 1788731 (VCV001788731.2), dbSNP rs1003780665, ClinGen allele CA355270917.
Genomic context (GRCh38, chr3:179,224,162, plus strand): 5'-GAGCAAATGAGGCGACCAGATTTCATGGATGCTCTACAGGGCTTTCTGTCTCCTCTAAAC[C>A]CTGCTCATCAACTAGGAAACCTCAGGTACTTTCTTGGGGGTTTCATTGATATATTTAAAT-3'
Protein context (NP_006209.2, residues 747-767): ALQGFLSPLN[Pro757Thr]AHQLGNLRLE